The following is an entry in ClinVar:

ClinVar aggregate classification (germline): Conflicting classifications of pathogenicity. Review status: criteria provided, conflicting classifications (1 of 4 stars). 2 submissions from 2 submitters: Uncertain significance (1); Likely benign (1). Last evaluated 2026-08-01.

Allele frequency attached by ClinVar (database versions not stated): ESP Exome Variant Server 0.00008; ExAC 0.00009; gnomAD exomes 0.00013 and 0.00023; TOPMed 0.00016; gnomAD 0.00018 and 0.00019; 1000 Genomes Project 0.00040; 1000 Genomes Project 30x 0.00031.
gnomAD v4.1: 399 of 1,614,188 alleles (0.025%); highest among the groups gnomAD compares: Non-Finnish European, 0.03%; 1 homozygote.

Submissions (2):

CeGaT Center for Human Genetics Tuebingen
Classification: Likely benign. Last evaluated: 2026-08-01. Review status: criteria provided, single submitter. Criteria: CeGaT Center For Human Genetics Tuebingen Variant Classification Criteria Version 2. Collection method: clinical testing. Allele origin: germline. Affected: yes. Observed: 3 variant alleles.
Comment: CAD: BP4

Labcorp Genetics (formerly Invitae), Labcorp
Classification: Uncertain significance. Last evaluated: 2022-08-16. Review status: criteria provided, single submitter. Criteria: Invitae Variant Classification Sherloc (09022015). Collection method: clinical testing. Allele origin: germline.
Comment: This sequence change falls in intron 10 of the CAD gene. It does not directly change the encoded amino acid sequence of the CAD protein. It affects a nucleotide within the consensus splice site. This variant is present in population databases (rs182598111, gnomAD 0.02%). This variant has not been reported in the literature in individuals affected with CAD-related conditions. ClinVar contains an entry for this variant (Variation ID: 1471571). In summary, the available evidence is currently insufficient to determine the role of this variant in disease. Therefore, it has been classified as a Variant of Uncertain Significance.

NM_004341.5(CAD):c.1386+5G>A

Gene: CAD (carbamoyl-phosphate synthetase 2, aspartate transcarbamylase, and dihydroorotase; plus strand). Cytogenetic location: 2p23.3.
Variant type: single nucleotide variant.
Coding change: c.1386+5G>A on transcript NM_004341.5 (MANE Select); 5 bases into the intron after coding-DNA position 1386, G replaced by A.
Molecular consequence: intron variant.
Genome position (GRCh38, 1-based): chr2:27,224,881, G>A. VCF-style: chr2-27224881-G-A. GRCh37 (hg19) VCF-style: chr2-27447749-G-A.
Other names: c.1386+5G>A (NM_001306079.2).
Identifiers: ClinVar variation 1471571 (VCV001471571.30), dbSNP rs182598111, ClinGen allele CA1572687.